The following is an entry in ClinVar:

NM_001042492.3(NF1):c.4577+11C>G

Gene: NF1 (neurofibromin 1; plus strand). Cytogenetic location: 17q11.2.
Variant type: single nucleotide variant.
Coding change: c.4577+11C>G on transcript NM_001042492.3 (MANE Select); 11 bases into the intron after coding-DNA position 4577, C replaced by G.
Molecular consequence: intron variant.
Genome position (GRCh38, 1-based): chr17:31,260,526, C>G. VCF-style: chr17-31260526-C-G. GRCh37 (hg19) VCF-style: chr17-29587544-C-G.
Other names: c.4514+11C>G (NM_000267.4).
Identifiers: ClinVar variation 227741 (VCV000227741.50), dbSNP rs190614908, ClinGen allele CA8486432.
Genomic context (GRCh38, chr17:31,260,526, plus strand): 5'-CTACTCTGGAACAATCAGGAGAAAATTGGGCAGTATCTTTCCAGCAACAGGTAAGATTTC[C>G]CAGTCATGGGGATAGTGAACACTCTCCGTTTAAATTTAGATTAATACAATTATTGGTCAT-3'

ClinVar aggregate classification (germline): Benign/Likely benign. Review status: criteria provided, multiple submitters, no conflicts (2 of 4 stars). 18 submissions from 17 submitters: Benign (5); Likely benign (11). 2 of the submissions do not count toward it. Last evaluated 2026-09-01.

Conditions:
Cardiovascular phenotype. Identifiers: MedGen CN230736.
Hereditary cancer-predisposing syndrome. Also called: Neoplastic Syndromes, Hereditary; Tumor predisposition; Hereditary Cancer Syndrome; Hereditary neoplastic syndrome. Identifiers: Orphanet 140162, MedGen C0027672, MeSH D009386, MONDO:0015356.
Neurofibromatosis, type 1 (NF1). Also called: VON RECKLINGHAUSEN DISEASE; Peripheral type neurofibromatosis; NEUROFIBROMATOSIS, TYPE I, SOMATIC; Neurofibromatosis, type I. Identifiers: Orphanet 636, MedGen C0027831, MONDO:0018975, OMIM 162200. Disease mechanism: loss of function.
Neurofibromatosis, familial spinal (FSNF). Identifiers: Orphanet 636, MedGen C1834235, MONDO:0008078, OMIM 162210. Disease mechanism: loss of function.

Allele frequency attached by ClinVar (database versions not stated): ESP Exome Variant Server 0.00077; ExAC 0.00089; 1000 Genomes Project 0.00100; gnomAD exomes 0.00112; gnomAD 0.00123 and 0.00124; 1000 Genomes Project 30x 0.00125; TOPMed 0.00179.
gnomAD v4.1: 1,572 of 1,613,532 alleles (0.097%); highest among the groups gnomAD compares: Middle Eastern, 0.79%; 6 homozygotes.

Submissions (18):

CeGaT Center for Human Genetics Tuebingen
Classification: Likely benign. Last evaluated: 2026-09-01. Review status: criteria provided, single submitter. Criteria: CeGaT Center For Human Genetics Tuebingen Variant Classification Criteria Version 2. Collection method: clinical testing. Allele origin: germline. Affected: yes. Observed: 17 variant alleles.
Comment: NF1: BS1

Labcorp Genetics (formerly Invitae), Labcorp
Classification: Benign for Neurofibromatosis, type 1. Last evaluated: 2026-02-04. Review status: criteria provided, single submitter. Criteria: Invitae Variant Classification Sherloc (09022015). Collection method: clinical testing. Allele origin: germline.

Women's Health and Genetics/Laboratory Corporation of America, LabCorp
Classification: Benign. Last evaluated: 2025-02-28. Review status: criteria provided, single submitter. Criteria: LabCorp Variant Classification Summary - May 2015. Collection method: clinical testing. Allele origin: germline.

Department of Pathology and Laboratory Medicine, Sinai Health System
Classification: Likely benign for neurofibromatosis type 1. Last evaluated: 2025-02-03. Review status: criteria provided, single submitter. Criteria: ACMG Guidelines, 2015. Collection method: clinical testing. Allele origin: germline. Affected: yes.

KCCC/NGS Laboratory, Kuwait Cancer Control Center
Classification: Benign for Neurofibromatosis, type 1. Last evaluated: 2025-02-01. Review status: criteria provided, single submitter. Criteria: ACMG Guidelines, 2015. Collection method: clinical testing. Allele origin: germline. Affected: no.

Blueprint Genetics
Classification: Likely benign. Last evaluated: 2024-11-27. Review status: criteria provided, single submitter. Criteria: ACMG Guidelines, 2015. Collection method: clinical testing. Allele origin: germline.

ARUP Laboratories, Molecular Genetics and Genomics, ARUP Laboratories
Classification: Likely benign. Last evaluated: 2024-03-13. Review status: criteria provided, single submitter. Criteria: ARUP Molecular Germline Variant Investigation Process 2024. Collection method: clinical testing. Allele origin: germline.

KCCC/NGS Laboratory, Kuwait Cancer Control Center
Classification: Likely benign for Neurofibromatosis, familial spinal. Last evaluated: 2023-07-07. Review status: criteria provided, single submitter. Criteria: ACMG Guidelines, 2015. Collection method: clinical testing. Allele origin: germline. Affected: yes.

Genome-Nilou Lab
Classification: Benign for Neurofibromatosis, type 1. Last evaluated: 2022-03-15. Review status: criteria provided, single submitter. Criteria: ACMG Guidelines, 2015. Collection method: clinical testing. Allele origin: germline. Affected: no.

Sema4
Classification: Benign for Hereditary cancer-predisposing syndrome. Last evaluated: 2021-07-12. Review status: criteria provided, single submitter. Criteria: Sema4 Curation Guidelines. Collection method: curation. Allele origin: germline.

Genetic Services Laboratory, University of Chicago
Classification: Likely benign. Last evaluated: 2019-04-24. Review status: criteria provided, single submitter. Criteria: ACMG Guidelines, 2015. Collection method: clinical testing. Allele origin: germline. Affected: no.

GeneDx
Classification: Likely benign. Last evaluated: 2017-07-28. Review status: criteria provided, single submitter. Criteria: GeneDx Variant Classification (06012015). Collection method: clinical testing. Allele origin: germline. Affected: yes.
Comment: This variant is considered likely benign or benign based on one or more of the following criteria: it is a conservative change, it occurs at a poorly conserved position in the protein, it is predicted to be benign by multiple in silico algorithms, and/or has population frequency not consistent with disease.

Center for Human Genetics, Inc
Classification: Likely benign for Neurofibromatosis, type 1. Last evaluated: 2016-11-01. Review status: criteria provided, single submitter. Criteria: ACMG Guidelines, 2015. Collection method: clinical testing. Allele origin: germline. Affected: yes.

Laboratory for Molecular Medicine, Mass General Brigham Personalized Medicine
Classification: Likely benign. Last evaluated: 2015-10-13. Review status: criteria provided, single submitter. Criteria: LMM Criteria. Collection method: clinical testing. Allele origin: germline. Observed: 2 variant alleles.
Comment: c.4577+11C>G in intron 34 of NF1: This variant is not expected to have clinical significance because it is not located within the conserved splice consensus seq uence. It has been identified in 0.12% (83/66726) of European American chromosom es by the Exome Aggregation Consortium (ExAC; db SNP rs190614908).

Ambry Genetics
Classification: Likely benign for Cardiovascular phenotype; Hereditary cancer-predisposing syndrome. Last evaluated: 2015-03-11. Review status: criteria provided, single submitter. Criteria: Ambry Variant Classification Scheme 2023. Collection method: clinical testing. Allele origin: germline.

PreventionGenetics, part of Exact Sciences
Classification: Likely benign. Review status: criteria provided, single submitter. Criteria: ACMG Guidelines, 2015. Collection method: clinical testing. Allele origin: germline.

Clinical Genetics DNA and cytogenetics Diagnostics Lab, Erasmus MC, Erasmus Medical Center
Classification: Benign. Review status: no assertion criteria provided. Collection method: clinical testing. Allele origin: germline. Affected: yes. Study: VKGL Data-share Consensus. Not counted in ClinVar's aggregate classification.

Genome Diagnostics Laboratory, Amsterdam University Medical Center
Classification: Likely benign. Review status: no assertion criteria provided. Collection method: clinical testing. Allele origin: germline. Affected: yes. Study: VKGL Data-share Consensus. Not counted in ClinVar's aggregate classification.

Literature cited by the submitters: PubMed 10678181 (cited by Women's Health and Genetics/Laboratory Corporation of America, LabCorp); PubMed 23460398 (cited by Women's Health and Genetics/Laboratory Corporation of America, LabCorp).